The following is an entry in ClinVar:

ClinVar aggregate classification (germline): Uncertain significance (1 of 4 stars; one submission).

Conditions:
Charcot-Marie-Tooth disease type 2. Also called: Charcot-Marie-Tooth type 2. Identifiers: Orphanet 64746, MedGen C0270914, MONDO:0018993.

Allele frequency attached by ClinVar (database versions not stated): gnomAD 0.00001; ExAC 0.00001; gnomAD exomes below 0.00001; TOPMed 0.00001.
gnomAD v4.1: 2 of 1,614,082 alleles (0.00012%); highest among the groups gnomAD compares: African/African-American, 0.0013%; no homozygotes.

Submission:

Labcorp Genetics (formerly Invitae), Labcorp
Classification: Uncertain significance for Charcot-Marie-Tooth disease type 2. Last evaluated: 2026-01-19. Review status: criteria provided, single submitter. Criteria: Invitae Variant Classification Sherloc (09022015). Collection method: clinical testing. Allele origin: germline.
Comment: This sequence change replaces glutamine, which is neutral and polar, with histidine, which is basic and polar, at codon 538 of the AARS protein (p.Gln538His). This variant is present in population databases (rs762184373, gnomAD 0.007%). This variant has not been reported in the literature in individuals affected with AARS-related conditions. ClinVar contains an entry for this variant (Variation ID: 2914427). Invitae Evidence Modeling of protein sequence and biophysical properties (such as structural, functional, and spatial information, amino acid conservation, physicochemical variation, residue mobility, and thermodynamic stability) indicates that this missense variant is expected to disrupt AARS protein function with a positive predictive value of 80%. In summary, the available evidence is currently insufficient to determine the role of this variant in disease. Therefore, it has been classified as a Variant of Uncertain Significance.

NM_001605.3(AARS1):c.1614A>C (p.Gln538His)

Gene: AARS1 (alanyl-tRNA synthetase 1; minus strand). Cytogenetic location: 16q22.1.
Variant type: single nucleotide variant.
Coding change: c.1614A>C on transcript NM_001605.3 (MANE Select); coding-DNA position 1614, A replaced by C.
Protein change: p.Gln538His; replaces glutamine 538 with histidine.
Molecular consequence: missense variant.
Genome position (GRCh38, 1-based): chr16:70,262,403, T>G on the plus strand (A>C on the coding strand, the complement: AARS1 is on the minus strand). VCF-style: chr16-70262403-T-G. GRCh37 (hg19) VCF-style: chr16-70296306-T-G.
Other names: short protein forms Q538H.
Identifiers: ClinVar variation 2914427 (VCV002914427.3), dbSNP rs762184373, ClinGen allele CA8140746.